The following is an entry in ClinVar:

NM_006079.5(CITED2):c.382C>T (p.Pro128Ser)

Gene: CITED2 (Cbp/p300 interacting transactivator with Glu/Asp rich carboxy-terminal domain 2; minus strand). Cytogenetic location: 6q24.1.
Variant type: single nucleotide variant.
Coding change: c.382C>T on transcript NM_006079.5 (MANE Select); coding-DNA position 382, C replaced by T.
Protein change: p.Pro128Ser; replaces proline 128 with serine.
Molecular consequence: missense variant.
Genome position (GRCh38, 1-based): chr6:139,373,563, G>A on the plus strand (C>T on the coding strand, the complement: CITED2 is on the minus strand). VCF-style: chr6-139373563-G-A. GRCh37 (hg19) VCF-style: chr6-139694700-G-A.
Other names: c.382C>T, p.Pro128Ser (NM_001168388.3); c.397C>T, p.Pro133Ser (NM_001168389.3); c.382C>T (NM_006079.3); short protein forms P133S, P128S.
Identifiers: ClinVar variation 930141 (VCV000930141.6), dbSNP rs767546559, ClinGen allele CA4025647.
Genomic context (GRCh38, chr6:139,373,563, plus strand): 5'-CGTTCATCTGGTGGCCTGCAGCAGGGTGCAAATCCGGCATGTAGTGGTTGTGGGGGTAGG[G>A]GTGATGGTTGAAATACTGGTTGTTGAGCTTCTGCAGCTGCATGCTGGCCGGCAGGGAGCC-3'
Protein context (NP_006070.2, residues 118-138): KLNNQYFNHH[Pro128Ser]YPHNHYMPDL

ClinVar aggregate classification (germline): Uncertain significance. Review status: criteria provided, multiple submitters, no conflicts (2 of 4 stars). 2 submissions from 2 submitters: Uncertain significance (2). Last evaluated 2023-05-31.

Conditions:
Inborn genetic diseases. Identifiers: MedGen C0950123, MeSH D030342.

Allele frequency attached by ClinVar (database versions not stated): ExAC 0.00002; gnomAD exomes 0.00004.

Submissions (2):

Ambry Genetics
Classification: Uncertain significance for Inborn genetic diseases. Last evaluated: 2023-05-31. Review status: criteria provided, single submitter. Criteria: Ambry Variant Classification Scheme 2023. Collection method: clinical testing. Allele origin: germline.

Laboratory for Molecular Medicine, Mass General Brigham Personalized Medicine
Classification: Uncertain significance. Last evaluated: 2019-04-16. Review status: criteria provided, single submitter. Criteria: LMM Criteria. Collection method: clinical testing. Allele origin: germline. Observed: 1 variant allele.
Comment: The p.Pro133Ser variant in CITED2 has not been previously reported in affected individuals but has been identified in 0.007% (2/30614) of South Asian chromosomes by gnomAD. Computational prediction tools and conservation analysis do not provide strong support for or against an impact to the protein. Furthermore, although the CITED2 gene has been reported in association with congenital heart disease, it currently has limited evidence for this association. In summary, the clinical significance of this variant is uncertain.